The following is an entry in ClinVar:

NM_016507.4(CDK12):c.443C>T (p.Ser148Leu)

Genes: CDK12 (cyclin dependent kinase 12; plus strand), LOC126862553 (CDK7 strongly-dependent group 2 enhancer GRCh37_chr17:37618166-37619365; plus strand). Cytogenetic location: 17q12.
Variant type: single nucleotide variant.
Coding change: c.443C>T on transcript NM_016507.4 (MANE Select); coding-DNA position 443, C replaced by T.
Protein change: p.Ser148Leu; replaces serine 148 with leucine.
Molecular consequence: missense variant.
Genome position (GRCh38, 1-based): chr17:39,462,514, C>T. VCF-style: chr17-39462514-C-T. GRCh37 (hg19) VCF-style: chr17-37618767-C-T.
Other names: c.443C>T, p.Ser148Leu (NM_015083.4); short protein forms S148L.
Identifiers: ClinVar variation 3489241 (VCV003489241.1).

ClinVar aggregate classification (germline): Uncertain significance (1 of 4 stars; one submission).

gnomAD v4.1: 1 of 1,613,958 alleles (0.000062%); highest among the groups gnomAD compares: Admixed American, 0.0017%; no homozygotes.

Submission:

Ambry Genetics
Classification: Uncertain significance. Last evaluated: 2024-11-22. Review status: criteria provided, single submitter. Criteria: Ambry Variant Classification Scheme 2023. Collection method: clinical testing. Allele origin: germline.
Comment: The p.S148L variant (also known as c.443C>T), located in coding exon 1 of the CDK12 gene, results from a C to T substitution at nucleotide position 443. The serine at codon 148 is replaced by leucine, an amino acid with dissimilar properties. This amino acid position is conserved. In addition, this alteration is predicted to be tolerated by in silico analysis. Based on the available evidence, the clinical significance of this variant remains unclear.